The following is an entry in ClinVar:

NM_002661.5(PLCG2):c.571G>C (p.Gly191Arg)

Gene: PLCG2 (phospholipase C gamma 2; plus strand). Cytogenetic location: 16q23.3.
Variant type: single nucleotide variant.
Coding change: c.571G>C on transcript NM_002661.5 (MANE Select); coding-DNA position 571, G replaced by C.
Protein change: p.Gly191Arg; replaces glycine 191 with arginine.
Molecular consequence: missense variant.
Genome position (GRCh38, 1-based): chr16:81,870,858, G>C. VCF-style: chr16-81870858-G-C. GRCh37 (hg19) VCF-style: chr16-81904463-G-C.
Other names: short protein forms G191R.
Identifiers: ClinVar variation 2083261 (VCV002083261.4), dbSNP rs1324383854, ClinGen allele CA396903232.

ClinVar aggregate classification (germline): Uncertain significance (1 of 4 stars; one submission).

Conditions:
Familial cold autoinflammatory syndrome 3 (FCAS3). Also called: FAMILIAL ATYPICAL COLD URTICARIA; ANTIBODY DEFICIENCY AND IMMUNE DYSREGULATION, PLCG2-ASSOCIATED. Identifiers: Orphanet 300359, MedGen C3280914, MONDO:0013766, OMIM 614468.

Submission:

Labcorp Genetics (formerly Invitae), Labcorp
Classification: Uncertain significance for Familial cold autoinflammatory syndrome 3. Last evaluated: 2022-01-15. Review status: criteria provided, single submitter. Criteria: Invitae Variant Classification Sherloc (09022015). Collection method: clinical testing. Allele origin: germline.
Comment: This sequence change replaces glycine, which is neutral and non-polar, with arginine, which is basic and polar, at codon 191 of the PLCG2 protein (p.Gly191Arg). This variant is not present in population databases (gnomAD no frequency). This variant has not been reported in the literature in individuals affected with PLCG2-related conditions. Algorithms developed to predict the effect of missense changes on protein structure and function are either unavailable or do not agree on the potential impact of this missense change (SIFT: "Tolerated"; PolyPhen-2: "Possibly Damaging"; Align-GVGD: "Class C0"). In summary, the available evidence is currently insufficient to determine the role of this variant in disease. Therefore, it has been classified as a Variant of Uncertain Significance.